The following is an entry in ClinVar:

ClinVar aggregate classification (germline): Uncertain significance (1 of 4 stars; one submission).

Allele frequency attached by ClinVar (database versions not stated): gnomAD exomes below 0.00001; TOPMed below 0.00001; gnomAD 0.00001.
gnomAD v4.1: 5 of 1,612,448 alleles (0.00031%); highest among the groups gnomAD compares: Non-Finnish European, 0.00042%; no homozygotes.

Submission:

Labcorp Genetics (formerly Invitae), Labcorp
Classification: Uncertain significance. Last evaluated: 2023-07-22. Review status: criteria provided, single submitter. Criteria: Invitae Variant Classification Sherloc (09022015). Collection method: clinical testing. Allele origin: germline.
Comment: This sequence change replaces threonine, which is neutral and polar, with alanine, which is neutral and non-polar, at codon 611 of the PRPF3 protein (p.Thr611Ala). This variant is present in population databases (no rsID available, gnomAD 0.007%). This variant has not been reported in the literature in individuals affected with PRPF3-related conditions. ClinVar contains an entry for this variant (Variation ID: 2163787). Advanced modeling of protein sequence and biophysical properties (such as structural, functional, and spatial information, amino acid conservation, physicochemical variation, residue mobility, and thermodynamic stability) performed at Invitae indicates that this missense variant is not expected to disrupt PRPF3 protein function. In summary, the available evidence is currently insufficient to determine the role of this variant in disease. Therefore, it has been classified as a Variant of Uncertain Significance.

NM_004698.4(PRPF3):c.1831A>G (p.Thr611Ala)

Gene: PRPF3 (pre-mRNA processing factor 3; plus strand). Cytogenetic location: 1q21.2.
Variant type: single nucleotide variant.
Coding change: c.1831A>G on transcript NM_004698.4 (MANE Select); coding-DNA position 1831, A replaced by G.
Protein change: p.Thr611Ala; replaces threonine 611 with alanine.
Molecular consequence: missense variant. On other transcripts: non-coding transcript variant (4).
Genome position (GRCh38, 1-based): chr1:150,346,479, A>G. VCF-style: chr1-150346479-A-G. GRCh37 (hg19) VCF-style: chr1-150318955-A-G.
Other names: c.1426A>G, p.Thr476Ala (NM_001350529.1); short protein forms T476A, T611A.
Identifiers: ClinVar variation 2163787 (VCV002163787.4), dbSNP rs1172032962, ClinGen allele CA342285817.